The following is an entry in ClinVar:

NM_001143981.2(CHRDL1):c.1269A>C (p.Glu423Asp)

Gene: CHRDL1 (chordin like 1; minus strand). Cytogenetic location: Xq23.
Variant type: single nucleotide variant.
Coding change: c.1269A>C on transcript NM_001143981.2 (MANE Select); coding-DNA position 1269, A replaced by C.
Protein change: p.Glu423Asp; replaces glutamic acid 423 with aspartic acid.
Molecular consequence: missense variant. On other transcripts: 3 prime UTR variant (1), non-coding transcript variant (1).
Genome position (GRCh38, 1-based): chrX:110,676,339, T>G on the plus strand (A>C on the coding strand, the complement: CHRDL1 is on the minus strand). VCF-style: chrX-110676339-T-G. GRCh37 (hg19) VCF-style: chrX-109919567-T-G.
Other names: c.1266A>C, p.Glu422Asp (NM_001143982.2); c.1029A>C, p.Glu343Asp (NM_001143983.3); c.1269A>C, p.Glu423Asp (NM_001367204.1); c.1254A>C, p.Glu418Asp (NM_001367205.1, NM_001367206.1); c.1251A>C, p.Glu417Asp (NM_001367207.1, NM_001367208.1); c.*38A>C (NM_001367209.1); c.1263A>C, p.Glu421Asp (NM_145234.4); c.1269A>C (NM_001143981.1); short protein forms E343D, E417D, E423D, E421D, E418D, E422D.
Identifiers: ClinVar variation 4775127 (VCV004775127.2).

ClinVar aggregate classification (germline): Uncertain significance. Review status: criteria provided, multiple submitters, no conflicts (2 of 4 stars). 2 submissions from 2 submitters: Uncertain significance (2). Last evaluated 2025-12-29.

Conditions:
Inborn genetic diseases. Identifiers: MedGen C0950123, MeSH D030342.

gnomAD v4.1: 2 of 1,210,232 alleles (0.00017%); highest among the groups gnomAD compares: Admixed American, 0.0022%; no homozygotes.

Submissions (2):

Ambry Genetics
Classification: Uncertain significance for Inborn genetic diseases. Last evaluated: 2025-12-29. Review status: criteria provided, single submitter. Criteria: Ambry Variant Classification Scheme 2023. Collection method: clinical testing. Allele origin: germline.

Labcorp Genetics (formerly Invitae), Labcorp
Classification: Uncertain significance. Last evaluated: 2025-09-15. Review status: criteria provided, single submitter. Criteria: Invitae Variant Classification Sherloc (09022015). Collection method: clinical testing. Allele origin: germline.
Comment: This sequence change replaces glutamic acid, which is acidic and polar, with aspartic acid, which is acidic and polar, at codon 423 of the CHRDL1 protein (p.Glu423Asp). This variant is not present in population databases (gnomAD no frequency). This variant has not been reported in the literature in individuals affected with CHRDL1-related conditions. Invitae Evidence Modeling of protein sequence and biophysical properties (such as structural, functional, and spatial information, amino acid conservation, physicochemical variation, residue mobility, and thermodynamic stability) indicates that this missense variant is not expected to disrupt CHRDL1 protein function with a negative predictive value of 80%. In summary, the available evidence is currently insufficient to determine the role of this variant in disease. Therefore, it has been classified as a Variant of Uncertain Significance.